The following is an entry in ClinVar:

NM_152594.3(SPRED1):c.1005C>A (p.Cys335Ter)

Gene: SPRED1 (sprouty related EVH1 domain containing 1; plus strand). Cytogenetic location: 15q14.
Variant type: single nucleotide variant.
Coding change: c.1005C>A on transcript NM_152594.3 (MANE Select); coding-DNA position 1005, C replaced by A.
Protein change: p.Cys335Ter; replaces cysteine 335 with a stop codon.
Molecular consequence: nonsense.
Genome position (GRCh38, 1-based): chr15:38,351,334, C>A. VCF-style: chr15-38351334-C-A. GRCh37 (hg19) VCF-style: chr15-38643535-C-A.
Other names: short protein forms C335*.
Identifiers: ClinVar variation 3729701 (VCV003729701.2).

ClinVar aggregate classification (germline): Pathogenic (1 of 4 stars; one submission).

Conditions:
Legius syndrome. Identifiers: Orphanet 137605, MedGen C1969623, MONDO:0012669, OMIM 611431. Disease mechanism: loss of function.

Submission:

Labcorp Genetics (formerly Invitae), Labcorp
Classification: Pathogenic for Legius syndrome. Last evaluated: 2025-04-23. Review status: criteria provided, single submitter. Criteria: Invitae Variant Classification Sherloc (09022015). Collection method: clinical testing. Allele origin: germline.
Comment: This sequence change creates a premature translational stop signal (p.Cys335*) in the SPRED1 gene. While this is not anticipated to result in nonsense mediated decay, it is expected to disrupt the last 110 amino acid(s) of the SPRED1 protein. This variant is not present in population databases (gnomAD no frequency). This variant has not been reported in the literature in individuals affected with SPRED1-related conditions. ClinVar contains an entry for this variant (Variation ID: 3729701). This variant disrupts a region of the SPRED1 protein in which other variant(s) (p.Gly385Ilefs*20) have been determined to be pathogenic (PMID: 17704776, 21089071; internal data). This suggests that this is a clinically significant region of the protein, and that variants that disrupt it are likely to be disease-causing. For these reasons, this variant has been classified as Pathogenic.

Literature cited by the submitters: PubMed 17704776; PubMed 21089071.